The following is an entry in ClinVar:

NM_016333.4(SRRM2):c.5268C>T (p.Thr1756=)

Gene: SRRM2 (serine/arginine repetitive matrix 2; plus strand). Cytogenetic location: 16p13.3.
Variant type: single nucleotide variant.
Coding change: c.5268C>T on transcript NM_016333.4 (MANE Select); coding-DNA position 5268, C replaced by T.
Protein change: p.Thr1756=; no amino-acid change (threonine 1756 retained).
Molecular consequence: synonymous variant.
Genome position (GRCh38, 1-based): chr16:2,765,796, C>T. VCF-style: chr16-2765796-C-T. GRCh37 (hg19) VCF-style: chr16-2815797-C-T.
Identifiers: ClinVar variation 4873827 (VCV004873827.2).

ClinVar aggregate classification (germline): Likely benign (1 of 4 stars; one submission).

gnomAD v4.1: 30 of 1,614,010 alleles (0.0019%); highest among the groups gnomAD compares: Non-Finnish European, 0.0022%; no homozygotes.

Submission:

CeGaT Center for Human Genetics Tuebingen
Classification: Likely benign. Last evaluated: 2026-04-01. Review status: criteria provided, single submitter. Criteria: CeGaT Center For Human Genetics Tuebingen Variant Classification Criteria Version 2. Collection method: clinical testing. Allele origin: germline. Affected: yes. Observed: 1 variant allele.
Comment: SRRM2: BP4, BP7